The following is an entry in ClinVar:

NM_000360.4(TH):c.91-893C>T

Gene: TH (tyrosine hydroxylase; minus strand). Cytogenetic location: 11p15.5.
Variant type: single nucleotide variant.
Coding change: c.91-893C>T on transcript NM_000360.4 (MANE Select); 893 bases into the intron before coding-DNA position 91, C replaced by T.
Molecular consequence: intron variant. On other transcripts: missense variant (2).
Genome position (GRCh38, 1-based): chr11:2,170,764, G>A on the plus strand (C>T on the coding strand, the complement: TH is on the minus strand). VCF-style: chr11-2170764-G-A. GRCh37 (hg19) VCF-style: chr11-2191994-G-A.
Other names: c.109C>T, p.Pro37Ser (NM_199292.3); c.97C>T, p.Pro33Ser (NM_199293.3); short protein forms P37S, P33S.
Identifiers: ClinVar variation 2115611 (VCV002115611.4), dbSNP rs2495836730, ClinGen allele CA379112707.
Genomic context (GRCh38, chr11:2,170,764, plus strand): 5'-TGTAGGATGCAGCTGGGGCTGCAGTTCCAGGCCACGGAGAGCCTGTGAGGCTGGGCCCCG[G>A]GGCGCCCTGGGGAGGGGATGCCTGATGGGGAGCCTGGTGGGGGAGGGTAGGGGAGGGCGG-3'

ClinVar aggregate classification (germline): Uncertain significance (1 of 4 stars; one submission).

Conditions:
TH-deficient dopa-responsive dystonia. Also called: Tyrosine Hydroxylase-Deficient Dopa-Responsive Dystonia; Segawa syndrome, autosomal recessive; DYT-TH. Identifiers: Orphanet 101150, MedGen C2673535, MONDO:0011551, OMIM 605407.

Submission:

Labcorp Genetics (formerly Invitae), Labcorp
Classification: Uncertain significance for TH-deficient dopa-responsive dystonia. Last evaluated: 2022-03-21. Review status: criteria provided, single submitter. Criteria: Invitae Variant Classification Sherloc (09022015). Collection method: clinical testing. Allele origin: germline.
Comment: In summary, the available evidence is currently insufficient to determine the role of this variant in disease. Therefore, it has been classified as a Variant of Uncertain Significance. Advanced modeling of protein sequence and biophysical properties (such as structural, functional, and spatial information, amino acid conservation, physicochemical variation, residue mobility, and thermodynamic stability) performed at Invitae indicates that this missense variant is not expected to disrupt TH protein function. This variant has not been reported in the literature in individuals affected with TH-related conditions. This variant is not present in population databases (gnomAD no frequency). This sequence change replaces proline, which is neutral and non-polar, with serine, which is neutral and polar, at codon 37 of the TH protein (p.Pro37Ser).